The following is an entry in ClinVar:

NM_012144.4(DNAI1):c.1295C>T (p.Ser432Leu)

Gene: DNAI1 (dynein axonemal intermediate chain 1; plus strand). Cytogenetic location: 9p13.3.
Variant type: single nucleotide variant.
Coding change: c.1295C>T on transcript NM_012144.4 (MANE Select); coding-DNA position 1295, C replaced by T.
Protein change: p.Ser432Leu; replaces serine 432 with leucine.
Molecular consequence: missense variant.
Genome position (GRCh38, 1-based): chr9:34,506,858, C>T. VCF-style: chr9-34506858-C-T. GRCh37 (hg19) VCF-style: chr9-34506856-C-T.
Other names: c.1307C>T, p.Ser436Leu (NM_001281428.2); short protein forms S432L, S436L.
Identifiers: ClinVar variation 3226199 (VCV003226199.1), dbSNP rs2492096559, ClinGen allele CA373257727.
Genomic context (GRCh38, chr9:34,506,858, plus strand): 5'-ACCTCAAGAAGCCCCACTCCCAGCCCTCCTTCTGCAGCTCAGCCAAGTCTGGCAAGCACT[C>T]AGACCCTGTGTGGCAGGTCAGCAACCAGGCTGGGAGGGGTGGGGATGGGAGCAGCATGTG-3'
Protein context (NP_036276.1, residues 422-442): FCSSAKSGKH[Ser432Leu]DPVWQVKWQK

ClinVar aggregate classification (germline): Uncertain significance (1 of 4 stars; one submission).

Conditions:
Primary ciliary dyskinesia. Also called: Ciliary dyskinesia. Identifiers: Orphanet 244, MedGen C0008780, MONDO:0016575, HP:0012265.

Submission:

Ambry Genetics
Classification: Uncertain significance for Primary ciliary dyskinesia. Last evaluated: 2024-01-01. Review status: criteria provided, single submitter. Criteria: Ambry Variant Classification Scheme 2023. Collection method: clinical testing. Allele origin: germline.
Comment: The p.S432L variant (also known as c.1295C>T), located in coding exon 13 of the DNAI1 gene, results from a C to T substitution at nucleotide position 1295. The serine at codon 432 is replaced by leucine, an amino acid with dissimilar properties. This amino acid position is conserved. In addition, this alteration is predicted to be tolerated by in silico analysis. Since supporting evidence is limited at this time, the clinical significance of this alteration remains unclear.